The following is an entry in ClinVar:

ClinVar aggregate classification (germline): Uncertain significance (1 of 4 stars; one submission).

Conditions:
Hepatic methionine adenosyltransferase deficiency. Also called: MAT I/III DEFICIENCY; Methionine adenosyltransferase deficiency; Deficiency of methionine adenosyltransferase; Isolated Persistent Hypermethioninemia. Identifiers: Orphanet 168598, MedGen C0268621, MeSH C564683, MONDO:0009607, OMIM 250850.

Submission:

Labcorp Genetics (formerly Invitae), Labcorp
Classification: Uncertain significance for Hepatic methionine adenosyltransferase deficiency. Last evaluated: 2024-04-25. Review status: criteria provided, single submitter. Criteria: Invitae Variant Classification Sherloc (09022015). Collection method: clinical testing. Allele origin: germline.
Comment: This sequence change replaces threonine, which is neutral and polar, with isoleucine, which is neutral and non-polar, at codon 270 of the MAT1A protein (p.Thr270Ile). This variant is not present in population databases (gnomAD no frequency). This variant has not been reported in the literature in individuals affected with MAT1A-related conditions. Advanced modeling of protein sequence and biophysical properties (such as structural, functional, and spatial information, amino acid conservation, physicochemical variation, residue mobility, and thermodynamic stability) performed at Invitae indicates that this missense variant is expected to disrupt MAT1A protein function with a positive predictive value of 80%. In summary, the available evidence is currently insufficient to determine the role of this variant in disease. Therefore, it has been classified as a Variant of Uncertain Significance.

NM_000429.3(MAT1A):c.809C>T (p.Thr270Ile)

Gene: MAT1A (methionine adenosyltransferase 1A; minus strand). Cytogenetic location: 10q22.3.
Variant type: single nucleotide variant.
Coding change: c.809C>T on transcript NM_000429.3 (MANE Select); coding-DNA position 809, C replaced by T.
Protein change: p.Thr270Ile; replaces threonine 270 with isoleucine.
Molecular consequence: missense variant.
Genome position (GRCh38, 1-based): chr10:80,275,159, G>A on the plus strand (C>T on the coding strand, the complement: MAT1A is on the minus strand). VCF-style: chr10-80275159-G-A. GRCh37 (hg19) VCF-style: chr10-82034915-G-A.
Other names: short protein forms T270I.
Identifiers: ClinVar variation 3678159 (VCV003678159.2).